The following is an entry in ClinVar:

ClinVar aggregate classification (germline): Benign/Likely benign. Review status: criteria provided, multiple submitters, no conflicts (2 of 4 stars). 5 submissions from 5 submitters: Benign (2); Likely benign (3). Last evaluated 2025-08-19.

Conditions:
Hereditary cancer-predisposing syndrome. Also called: Neoplastic Syndromes, Hereditary; Hereditary Cancer Syndrome; Hereditary neoplastic syndrome; Tumor predisposition. Identifiers: Orphanet 140162, MedGen C0027672, MeSH D009386, MONDO:0015356.
Tuberous sclerosis 2 (TSC2). Identifiers: Orphanet 805, MedGen C1860707, MONDO:0013199, OMIM 613254.
Tuberous sclerosis syndrome (TSC). Also called: Tuberous Sclerosis Complex; Tuberous sclerosis. Identifiers: Orphanet 805, MedGen C0041341, MONDO:0001734.

Submissions (5):

Labcorp Genetics (formerly Invitae), Labcorp
Classification: Likely benign for Tuberous sclerosis 2. Last evaluated: 2025-08-19. Review status: criteria provided, single submitter. Criteria: Invitae Variant Classification Sherloc (09022015). Collection method: clinical testing. Allele origin: germline.

Myriad Genetics, Inc.
Classification: Benign for Tuberous sclerosis 2. Last evaluated: 2025-05-29. Review status: criteria provided, single submitter. Criteria: Myriad Autosomal Dominant, Autosomal Recessive and X-Linked Classification Criteria (2023). Collection method: clinical testing. Allele origin: unknown.
Comment: This variant is considered benign. This variant is a silent/synonymous amino acid change and it is not expected to impact splicing.

All of Us Research Program, National Institutes of Health
Classification: Likely benign for Tuberous sclerosis syndrome. Last evaluated: 2023-11-02. Review status: criteria provided, single submitter. Criteria: ACMG Guidelines, 2015. Collection method: clinical testing. Allele origin: germline. Inheritance: Autosomal dominant inheritance. Observed: 1 variant allele, 1 heterozygote.
Comment: This study involves interpretation of variants in research participants for the purpose of population health screening. Participant phenotype was not available at the time of variant classification. Additional details can be found in publication PMID: 35346344, PMCID: PMC8962531

Genome-Nilou Lab
Classification: Benign for Tuberous sclerosis 2. Last evaluated: 2021-11-07. Review status: criteria provided, single submitter. Criteria: ACMG Guidelines, 2015. Collection method: clinical testing. Allele origin: germline. Affected: no.

Ambry Genetics
Classification: Likely benign for Hereditary cancer-predisposing syndrome. Last evaluated: 2018-07-11. Review status: criteria provided, single submitter. Criteria: Ambry Variant Classification Scheme 2023. Collection method: clinical testing. Allele origin: germline.

NM_000548.5(TSC2):c.3381G>A (p.Arg1127=)

Gene: TSC2 (TSC complex subunit 2; plus strand). Cytogenetic location: 16p13.3.
Variant type: single nucleotide variant.
Coding change: c.3381G>A on transcript NM_000548.5 (MANE Select); coding-DNA position 3381, G replaced by A.
Protein change: p.Arg1127=; no amino-acid change (arginine 1127 retained).
Molecular consequence: synonymous variant.
Genome position (GRCh38, 1-based): chr16:2,079,653, G>A. VCF-style: chr16-2079653-G-A. GRCh37 (hg19) VCF-style: chr16-2129654-G-A.
Other names: c.3249G>A, p.Arg1083= (NM_001077183.3, NM_001370404.1); c.3381G>A, p.Arg1127= (NM_001114382.3); c.3141G>A, p.Arg1047= (NM_001318827.2); c.3105G>A, p.Arg1035= (NM_001318829.2); c.2649G>A, p.Arg883= (NM_001318831.2); c.3282G>A, p.Arg1094= (NM_001318832.2); c.3252G>A, p.Arg1084= (NM_001363528.2, NM_001370405.1, NM_021055.3).
Identifiers: ClinVar variation 823695 (VCV000823695.17), dbSNP rs1596386421, ClinGen allele CA492955315.